The following is an entry in ClinVar:

NM_003002.4(SDHD):c.116C>T (p.Pro39Leu)

Gene: SDHD (succinate dehydrogenase complex subunit D; plus strand). Cytogenetic location: 11q23.1.
Variant type: single nucleotide variant.
Coding change: c.116C>T on transcript NM_003002.4 (MANE Select); coding-DNA position 116, C replaced by T.
Protein change: p.Pro39Leu; replaces proline 39 with leucine.
Molecular consequence: missense variant. On other transcripts: non-coding transcript variant (1), intron variant (1).
Genome position (GRCh38, 1-based): chr11:112,087,920, C>T. VCF-style: chr11-112087920-C-T. GRCh37 (hg19) VCF-style: chr11-111958644-C-T.
Other names: c.116C>T, p.Pro39Leu (NM_001276503.2, NM_001276506.2); c.53-947C>T (NM_001276504.2); short protein forms P39L.
Identifiers: ClinVar variation 582411 (VCV000582411.23), dbSNP rs752689382, ClinGen allele CA382617022.
Genomic context (GRCh38, chr11:112,087,920, plus strand): 5'-TGTTGCTTCGAACTCCAGTGGTCAGACCTGCTCATATCTCAGCATTTCTTCAGGACCGAC[C>T]TATCCCAGAATGGTGTGGAGTGCAGCACATACACTTGTCACCGAGCCACCATTGTATGTT-3'
Protein context (NP_002993.1, residues 29-49): AHISAFLQDR[Pro39Leu]IPEWCGVQHI

ClinVar aggregate classification (germline): Uncertain significance. Review status: criteria provided, multiple submitters, no conflicts (2 of 4 stars). 7 submissions from 7 submitters: Uncertain significance (7). Last evaluated 2025-11-12.

Conditions:
Hereditary pheochromocytoma and paraganglioma. Also called: Hereditary paragangliomas and pheochromocytomas; Hereditary pheochromocytoma-paraganglioma; Hereditary Paraganglioma-Pheochromocytoma Syndromes. Identifiers: Orphanet 29072, MedGen C4274332, MONDO:0017366.
SDHD-related disorder. Also called: SDHD-related condition.
Mitochondrial complex 2 deficiency, nuclear type 3. Also called: MITOCHONDRIAL COMPLEX II DEFICIENCY, NUCLEAR TYPE 3. Identifiers: MedGen C5436934, MONDO:0030937, OMIM 619167.
Hereditary cancer-predisposing syndrome. Also called: Neoplastic Syndromes, Hereditary; Tumor predisposition; Hereditary Cancer Syndrome; Hereditary neoplastic syndrome. Identifiers: Orphanet 140162, MedGen C0027672, MeSH D009386, MONDO:0015356.
Pheochromocytoma. Also called: MAX-Related Hereditary Paraganglioma-Pheochromocytoma Syndrome. Identifiers: Orphanet 29072, MedGen C0031511, MONDO:0008233, OMIM 171300, HP:0002666.
Cowden syndrome 3 (CWS3). Identifiers: Orphanet 201, MedGen CN166604, MONDO:0014045.
Paragangliomas with sensorineural hearing loss. Identifiers: MedGen C1868633.
Carney-Stratakis syndrome. Also called: PARAGANGLIOMA AND GASTROINTESTINAL STROMAL TUMOR. Identifiers: Orphanet 97286, MedGen C1847319, MONDO:0011740, OMIM 606864.

Allele frequency attached by ClinVar (database versions not stated): TOPMed 0.00001; gnomAD 0.00002.
gnomAD v4.1: 10 of 1,613,898 alleles (0.00062%); highest among the groups gnomAD compares: African/African-American, 0.0013%; no homozygotes.

Submissions (7):

Labcorp Genetics (formerly Invitae), Labcorp
Classification: Uncertain significance for Carney-Stratakis syndrome; Paragangliomas with sensorineural hearing loss; Pheochromocytoma; Cowden syndrome 3. Last evaluated: 2025-11-12. Review status: criteria provided, single submitter. Criteria: Invitae Variant Classification Sherloc (09022015). Collection method: clinical testing. Allele origin: germline.
Comment: This sequence change replaces proline, which is neutral and non-polar, with leucine, which is neutral and non-polar, at codon 39 of the SDHD protein (p.Pro39Leu). This variant is present in population databases (no rsID available, gnomAD 0.0009%). This missense change has been observed in individual(s) with pheochromocytoma and/or paraganglioma (PMID: 34906457). ClinVar contains an entry for this variant (Variation ID: 582411). Invitae Evidence Modeling of protein sequence and biophysical properties (such as structural, functional, and spatial information, amino acid conservation, physicochemical variation, residue mobility, and thermodynamic stability) indicates that this missense variant is not expected to disrupt SDHD protein function with a negative predictive value of 80%. In summary, the available evidence is currently insufficient to determine the role of this variant in disease. Therefore, it has been classified as a Variant of Uncertain Significance.

PreventionGenetics, part of Exact Sciences
Classification: Uncertain significance for SDHD-related condition. Last evaluated: 2024-10-09. Review status: criteria provided, single submitter. Criteria: ACMG Guidelines, 2015. Collection method: clinical testing. Allele origin: germline.
Comment: The SDHD c.116C>T variant is predicted to result in the amino acid substitution p.Pro39Leu. This variant has been reported in an individual with phaeochromocytoma or paraganglioma (Supplementary Table 2, Garrett et al. 2022. PubMed ID: 34906457). This variant is reported in 0.00088% of alleles in individuals of European (Non-Finnish) descent in gnomAD. At this time, the clinical significance of this variant is uncertain due to the absence of conclusive functional and genetic evidence.

Ambry Genetics
Classification: Uncertain significance for Hereditary cancer-predisposing syndrome. Last evaluated: 2024-08-22. Review status: criteria provided, single submitter. Criteria: Ambry Variant Classification Scheme 2023. Collection method: clinical testing. Allele origin: germline.
Comment: The p.P39L variant (also known as c.116C>T), located in coding exon 2 of the SDHD gene, results from a C to T substitution at nucleotide position 116. The proline at codon 39 is replaced by leucine, an amino acid with similar properties. This amino acid position is not well conserved in available vertebrate species. In addition, the in silico prediction for this alteration is inconclusive. Since supporting evidence is limited at this time, the clinical significance of this alteration remains unclear.

All of Us Research Program, National Institutes of Health
Classification: Uncertain significance for Hereditary pheochromocytoma and paraganglioma. Last evaluated: 2023-10-02. Review status: criteria provided, single submitter. Criteria: ACMG Guidelines, 2015. Collection method: clinical testing. Allele origin: germline. Inheritance: Autosomal dominant inheritance. Observed: 1 variant allele, 1 heterozygote.
Comment: This missense variant replaces proline with leucine at codon 39 of the SDHD protein. Computational prediction suggests that this variant may not impact protein structure and function (internally defined REVEL score threshold <= 0.5, PMID: 27666373). To our knowledge, functional studies have not been reported for this variant. This variant has not been reported in individuals affected with SDHD-related disorders in the literature. This variant has been identified in 1/251476 chromosomes in the general population by the Genome Aggregation Database (gnomAD). The available evidence is insufficient to determine the role of this variant in disease conclusively. Therefore, this variant is classified as a Variant of Uncertain Significance.

This study involves interpretation of variants in research participants for the purpose of population health screening. Participant phenotype was not available at the time of variant classification. Additional details can be found in publication PMID: 35346344, PMCID: PMC8962531

Color Diagnostics, LLC DBA Color Health
Classification: Uncertain significance for Hereditary pheochromocytoma and paraganglioma. Last evaluated: 2023-09-13. Review status: criteria provided, single submitter. Criteria: ACMG Guidelines, 2015. Collection method: clinical testing. Allele origin: germline.
Comment: This missense variant replaces proline with leucine at codon 39 of the SDHD protein. Computational prediction suggests that this variant may not impact protein structure and function. To our knowledge, functional studies have not been reported for this variant. This variant has not been reported in individuals affected with SDHD-related disorders in the literature. This variant has been identified in 1/251476 chromosomes in the general population by the Genome Aggregation Database (gnomAD). The available evidence is insufficient to determine the role of this variant in disease conclusively. Therefore, this variant is classified as a Variant of Uncertain Significance.

Baylor Genetics
Classification: Uncertain significance for Mitochondrial complex 2 deficiency, nuclear type 3. Last evaluated: 2023-06-28. Review status: criteria provided, single submitter. Criteria: ACMG Guidelines, 2015. Collection method: clinical testing. Allele origin: unknown.

Genetic Services Laboratory, University of Chicago
Classification: Uncertain significance. Last evaluated: 2019-07-16. Review status: criteria provided, single submitter. Criteria: ACMG Guidelines, 2015. Collection method: clinical testing. Allele origin: germline. Affected: no.

Literature cited by the submitters: PubMed 34906457 (cited by Labcorp Genetics (formerly Invitae), Labcorp).